The following is an entry in ClinVar:

NM_001267550.2(TTN):c.65783_65805del (p.Arg21928fs)

Genes: TTN (titin; minus strand), TTN-AS1 (TTN antisense RNA 1; plus strand). Cytogenetic location: 2q31.2.
Variant type: Deletion.
Coding change: c.65783_65805del on transcript NM_001267550.2 (MANE Select); coding-DNA positions 65783 to 65805, 23 bases deleted (GGAAGGACTCAGGAGACTATACC).
Protein change: p.Arg21928fs; shifts the reading frame from arginine 21928.
Molecular consequence: frameshift variant. On other transcripts: non-coding transcript variant (1).
Genome position (GRCh38, 1-based): chr2:178,582,998-178,583,020, GGTATAGTCTCCTGAGTCCTTCC deleted on the plus strand (GGAAGGACTCAGGAGACTATACC on the coding strand, the reverse complement: TTN is on the minus strand); deleting any 23 consecutive bases within chr2:178,582,998-178,583,023 gives the same sequence; the c. name uses the placement nearest the transcript's 3' end. VCF-style (leftmost placement, unchanged base first): chr2-178582997-TGGTATAGTCTCCTGAGTCCTTCC-T. GRCh37 (hg19) VCF-style: chr2-179447724-TGGTATAGTCTCCTGAGTCCTTCC-T.
Other names: c.60860_60882del, p.Arg20287fs (NM_001256850.1); c.38588_38610del, p.Arg12863fs (NM_003319.4); c.58079_58101del, p.Arg19360fs (NM_133378.4); c.38963_38985del, p.Arg12988fs (NM_133432.3); c.39164_39186del, p.Arg13055fs (NM_133437.4); c.38588_38610del23 (NM_003319.4); short protein forms R12988fs, R13055fs, R20287fs, R21928fs, R19360fs, R12863fs.
Identifiers: ClinVar variation 3463753 (VCV003463753.1).

ClinVar aggregate classification (germline): Likely pathogenic (1 of 4 stars; one submission).

Conditions:
Cardiovascular phenotype. Identifiers: MedGen CN230736.

Submission:

Ambry Genetics
Classification: Likely pathogenic for Cardiovascular phenotype. Last evaluated: 2024-08-23. Review status: criteria provided, single submitter. Criteria: Ambry Variant Classification Scheme 2023. Collection method: clinical testing. Allele origin: germline.
Comment: The c.38588_38610del23 variant, located in coding exon 140 of the TTN gene, results from a deletion of 23 nucleotides at nucleotide positions 38588 to 38610, causing a translational frameshift with a predicted alternate stop codon (p.R12863Hfs*4). This exon is located in the A-band region of the N2-B isoform of the titin protein and is constitutively expressed in TTN transcripts (percent spliced in or PSI 100%). This variant is considered to be rare based on population cohorts in the Genome Aggregation Database (gnomAD). This alteration is expected to result in loss of function by premature protein truncation or nonsense-mediated mRNA decay. While truncating variants in TTN are present in 1-3% of the general population, truncating variants in the A-band are the most common cause of dilated cardiomyopathy (DCM) (Herman DS et al. N. Engl. J. Med., 2012 Feb;366:619-28; Roberts AM et al. Sci Transl Med, 2015 Jan;7:270ra6). TTN truncating variants encoded in constitutive exons (PSI >90%) have been found to be significantly associated with DCM regardless of their position in titin (Schafer S et al. Nat. Genet., 2017 01;49:46-53). Based on the majority of available evidence to date, this variant is likely to be pathogenic.